The following is an entry in ClinVar:

ClinVar aggregate classification (germline): Conflicting classifications of pathogenicity. Review status: criteria provided, conflicting classifications (1 of 4 stars). 3 submissions from 3 submitters: Uncertain significance (2); Likely benign (1). Last evaluated 2023-09-27.

Conditions:
Hereditary cancer-predisposing syndrome. Also called: Tumor predisposition; Hereditary Cancer Syndrome; Neoplastic Syndromes, Hereditary; Hereditary neoplastic syndrome. Identifiers: Orphanet 140162, MedGen C0027672, MeSH D009386, MONDO:0015356.
Familial cancer of breast. Also called: Hereditary breast cancer; hereditary breast carcinoma; BREAST CANCER, FAMILIAL. Identifiers: Orphanet 227535, MedGen C0346153, MONDO:0016419, OMIM 114480. Disease mechanism: loss of function.
Ataxia-telangiectasia syndrome (AT). Also called: Cerebello-oculocutaneous telangiectasia; Immunodeficiency with ataxia telangiectasia; Ataxia-telangiectasia, complementation group D; AT, COMPLEMENTATION GROUP C; Ataxia-telangiectasia, complementation group E; LOUIS-BAR SYNDROME. Identifiers: Orphanet 100, MedGen C0004135, MONDO:0008840, OMIM 208900.

Allele frequency attached by ClinVar (database versions not stated): gnomAD exomes below 0.00001 and 0.00001; TOPMed 0.00001; ExAC 0.00002; ESP Exome Variant Server 0.00015.
gnomAD v4.1: 2 of 1,613,690 alleles (0.00012%); highest among the groups gnomAD compares: African/African-American, 0.0027%; no homozygotes.

Submissions (3):

Baylor Genetics
Classification: Uncertain significance for Familial cancer of breast. Last evaluated: 2023-09-27. Review status: criteria provided, single submitter. Criteria: ACMG Guidelines, 2015. Collection method: clinical testing. Allele origin: unknown.

Ambry Genetics
Classification: Likely benign for Hereditary cancer-predisposing syndrome. Last evaluated: 2022-08-29. Review status: criteria provided, single submitter. Criteria: Ambry Variant Classification Scheme 2023. Collection method: clinical testing. Allele origin: germline.

Labcorp Genetics (formerly Invitae), Labcorp
Classification: Uncertain significance for Ataxia-telangiectasia syndrome. Last evaluated: 2022-02-06. Review status: criteria provided, single submitter. Criteria: Invitae Variant Classification Sherloc (09022015). Collection method: clinical testing. Allele origin: germline.
Comment: This variant has not been reported in the literature in individuals affected with ATM-related conditions. This variant is present in population databases (rs372766122, gnomAD 0.01%). This sequence change replaces serine, which is neutral and polar, with tyrosine, which is neutral and polar, at codon 1163 of the ATM protein (p.Ser1163Tyr). ClinVar contains an entry for this variant (Variation ID: 453470). In summary, the available evidence is currently insufficient to determine the role of this variant in disease. Therefore, it has been classified as a Variant of Uncertain Significance. Advanced modeling of protein sequence and biophysical properties (such as structural, functional, and spatial information, amino acid conservation, physicochemical variation, residue mobility, and thermodynamic stability) performed at Invitae indicates that this missense variant is not expected to disrupt ATM protein function.

NM_000051.4(ATM):c.3488C>A (p.Ser1163Tyr)

Gene: ATM (ATM serine/threonine kinase; plus strand). Cytogenetic location: 11q22.3.
Variant type: single nucleotide variant.
Coding change: c.3488C>A on transcript NM_000051.4 (MANE Select); coding-DNA position 3488, C replaced by A.
Protein change: p.Ser1163Tyr; replaces serine 1163 with tyrosine.
Molecular consequence: missense variant.
Genome position (GRCh38, 1-based): chr11:108,281,080, C>A. VCF-style: chr11-108281080-C-A. GRCh37 (hg19) VCF-style: chr11-108151807-C-A.
Other names: c.3488C>A, p.Ser1163Tyr (NM_001351834.2); short protein forms S1163Y.
Identifiers: ClinVar variation 453470 (VCV000453470.10), dbSNP rs372766122, ClinGen allele CA6265299.